The following is an entry in ClinVar:

NM_203447.4(DOCK8):c.4887-16C>T

Gene: DOCK8 (dedicator of cytokinesis 8; plus strand). Cytogenetic location: 9p24.3.
Variant type: single nucleotide variant.
Coding change: c.4887-16C>T on transcript NM_203447.4 (MANE Select); 16 bases into the intron before coding-DNA position 4887, C replaced by T.
Molecular consequence: intron variant.
Genome position (GRCh38, 1-based): chr9:434,767, C>T. VCF-style: chr9-434767-C-T. GRCh37 (hg19) VCF-style: chr9-434767-C-T.
Other names: c.4887-16C>T (NM_203447.3); c.4683-16C>T (NM_001193536.2); c.4587-16C>T (NM_001190458.2).
Identifiers: ClinVar variation 1168134 (VCV001168134.14), dbSNP rs200781199, ClinGen allele CA4959247.

ClinVar aggregate classification (germline): Benign/Likely benign. Review status: criteria provided, multiple submitters, no conflicts (2 of 4 stars). 5 submissions from 5 submitters: Benign (2); Likely benign (2). 1 of the submissions does not count toward it. Last evaluated 2026-04-20.

Conditions:
DOCK8-related disorder. Also called: DOCK8-related condition.
Combined immunodeficiency due to DOCK8 deficiency (HIES2). Also called: HYPER-IgE SYNDROME 2, AUTOSOMAL RECESSIVE, WITH RECURRENT INFECTIONS; HIES autosomal recessive; HYPER-IgE RECURRENT INFECTION SYNDROME 2, AUTOSOMAL RECESSIVE; DOCK8 Deficiency; Hyper-IgE recurrent infection syndrome, autosomal recessive. Identifiers: Orphanet 217390, MedGen C4722305, MONDO:0009478, OMIM 243700.

Allele frequency attached by ClinVar (database versions not stated): gnomAD exomes 0.00049 and 0.00100; ESP Exome Variant Server 0.00054; gnomAD 0.00056; TOPMed 0.00066; ExAC 0.00088.

Submissions (5):

Women's Health and Genetics/Laboratory Corporation of America, LabCorp
Classification: Likely benign. Last evaluated: 2026-04-20. Review status: criteria provided, single submitter. Criteria: LabCorp Variant Classification Summary - May 2015. Collection method: clinical testing. Allele origin: germline.

Labcorp Genetics (formerly Invitae), Labcorp
Classification: Benign for Combined immunodeficiency due to DOCK8 deficiency. Last evaluated: 2026-01-28. Review status: criteria provided, single submitter. Criteria: Invitae Variant Classification Sherloc (09022015). Collection method: clinical testing. Allele origin: germline.

Blueprint Genetics
Classification: Likely benign. Last evaluated: 2024-11-15. Review status: criteria provided, single submitter. Criteria: ACMG Guidelines, 2015. Collection method: clinical testing. Allele origin: germline.

Breakthrough Genomics
Classification: Benign. Review status: criteria provided, single submitter. Criteria: ACMG Guidelines, 2015. Collection method: not provided. Allele origin: germline. Inheritance: Autosomal recessive inheritance. Affected: yes.

PreventionGenetics, part of Exact Sciences
Classification: Benign for DOCK8-related condition. Last evaluated: 2019-07-10. Review status: no assertion criteria provided. Collection method: clinical testing. Allele origin: germline. Not counted in ClinVar's aggregate classification.
Comment: This variant is classified as benign based on ACMG/AMP sequence variant interpretation guidelines (Richards et al. 2015 PMID: 25741868, with internal and published modifications).